The following is an entry in ClinVar:

ClinVar aggregate classification (germline): Uncertain significance (1 of 4 stars; one submission).

gnomAD v4.1: 2 of 1,614,192 alleles (0.00012%); highest among the groups gnomAD compares: Non-Finnish European, 0.00017%; no homozygotes.

Submission:

Labcorp Genetics (formerly Invitae), Labcorp
Classification: Uncertain significance. Last evaluated: 2022-04-11. Review status: criteria provided, single submitter. Criteria: Invitae Variant Classification Sherloc (09022015). Collection method: clinical testing. Allele origin: germline.
Comment: This sequence change replaces glycine, which is neutral and non-polar, with glutamic acid, which is acidic and polar, at codon 1573 of the ABCA4 protein (p.Gly1573Glu). This variant is not present in population databases (gnomAD no frequency). This variant has not been reported in the literature in individuals affected with ABCA4-related conditions. Advanced modeling of protein sequence and biophysical properties (such as structural, functional, and spatial information, amino acid conservation, physicochemical variation, residue mobility, and thermodynamic stability) performed at Invitae indicates that this missense variant is not expected to disrupt ABCA4 protein function. In summary, the available evidence is currently insufficient to determine the role of this variant in disease. Therefore, it has been classified as a Variant of Uncertain Significance.

NM_000350.3(ABCA4):c.4718G>A (p.Gly1573Glu)

Genes: ABCA4 (ATP binding cassette subfamily A member 4; minus strand), LOC126805793 (CDK7 strongly-dependent group 2 enhancer GRCh37_chr1:94486302-94487501; plus strand). Cytogenetic location: 1p22.1.
Variant type: single nucleotide variant.
Coding change: c.4718G>A on transcript NM_000350.3 (MANE Select); coding-DNA position 4718, G replaced by A.
Protein change: p.Gly1573Glu; replaces glycine 1573 with glutamic acid.
Molecular consequence: missense variant.
Genome position (GRCh38, 1-based): chr1:94,021,901, C>T on the plus strand (G>A on the coding strand, the complement: ABCA4 is on the minus strand). VCF-style: chr1-94021901-C-T. GRCh37 (hg19) VCF-style: chr1-94487457-C-T.
Other names: c.4496G>A, p.Gly1499Glu (NM_001425324.1); short protein forms G1573E, G1499E.
Identifiers: ClinVar variation 1506294 (VCV001506294.5), dbSNP rs774279555, ClinGen allele CA341283940.
Genomic context (GRCh38, chr1:94,021,901, plus strand): 5'-CATACCCCGCTCACATTCATGATCCGGCCAAGGTCGCTTAAAAACCCAACAAGTGCTTCC[C>T]CCGTGATGGGGACGACTGGGAGCTTTCCTCCAATGGAAATTCCTCCATACCTGACAAGGA-3'
Protein context (NP_000341.2, residues 1563-1583): GGKLPVVPIT[Gly1573Glu]EALVGFLSDL